The following is an entry in ClinVar:

NM_001005273.3(CHD3):c.3233G>A (p.Arg1078Gln)

Gene: CHD3 (chromodomain helicase DNA binding protein 3; plus strand). Cytogenetic location: 17p13.1.
Variant type: single nucleotide variant.
Coding change: c.3233G>A on transcript NM_001005273.3 (MANE Select); coding-DNA position 3233, G replaced by A.
Protein change: p.Arg1078Gln; replaces arginine 1078 with glutamine.
Molecular consequence: missense variant.
Genome position (GRCh38, 1-based): chr17:7,901,356, G>A. VCF-style: chr17-7901356-G-A. GRCh37 (hg19) VCF-style: chr17-7804674-G-A.
Other names: c.3410G>A (NM_001005271.2); c.3410G>A, p.Arg1137Gln (NM_001005271.3); c.3233G>A, p.Arg1078Gln (NM_005852.4); short protein forms R1137Q, R1078Q.
Identifiers: ClinVar variation 1992313 (VCV001992313.4), dbSNP rs2544968917, ClinGen allele CA397941387.

ClinVar aggregate classification (germline): Pathogenic/Likely pathogenic. Review status: criteria provided, multiple submitters, no conflicts (2 of 4 stars). 3 submissions from 3 submitters: Pathogenic (1); Likely pathogenic (2). Last evaluated 2025-11-13.

Conditions:
Inborn genetic diseases. Identifiers: MedGen C0950123, MeSH D030342.
Snijders Blok-Campeau syndrome. Also called: INTELLECTUAL DEVELOPMENTAL DISORDER WITH MACROCEPHALY, SPEECH DELAY, AND DYSMORPHIC FACIES. Identifiers: Orphanet 599082, MedGen C4748701, MONDO:0032600, OMIM 618205.

Submissions (3):

Ambry Genetics
Classification: Likely pathogenic for Inborn genetic diseases. Last evaluated: 2025-11-13. Review status: criteria provided, single submitter. Criteria: Ambry Variant Classification Scheme 2023. Collection method: clinical testing. Allele origin: germline.
Comment: The c.3410G>A (p.R1137Q) alteration is located in exon 20 (coding exon 20) of the CHD3 gene. This alteration results from a G to A substitution at nucleotide position 3410, causing the arginine (R) at amino acid position 1137 to be replaced by a glutamine (Q). This variant was not reported in population-based cohorts in the Genome Aggregation Database (gnomAD). This amino acid position is highly conserved in available vertebrate species. This missense alteration is located in a region that has a low rate of benign missense variation (Lek, 2016; Firth, 2009). This alteration is predicted to be deleterious by in silico analysis. Based on the available evidence, this alteration is classified as likely pathogenic.

GeneDx
Classification: Pathogenic. Last evaluated: 2025-07-31. Review status: criteria provided, single submitter. Criteria: GeneDx Variant Classification Process June 2021. Collection method: clinical testing. Allele origin: germline. Affected: yes.
Comment: Not observed at significant frequency in large population cohorts (gnomAD); In silico analysis supports that this missense variant has a deleterious effect on protein structure/function; Has not been previously published as pathogenic or benign to our knowledge

MVZ Martinsried, Medicover Genetics
Classification: Likely pathogenic for Snijders Blok-Campeau syndrome. Last evaluated: 2022-11-08. Review status: criteria provided, single submitter. Criteria: ACGS Guidelines, 2020. Collection method: clinical testing. Allele origin: de novo. Affected: yes.